The following is an entry in ClinVar:

ClinVar aggregate classification (germline): Conflicting classifications of pathogenicity. Review status: criteria provided, conflicting classifications (1 of 4 stars). 5 submissions from 5 submitters: Uncertain significance (4); Likely benign (1). Last evaluated 2025-04-21.

Conditions:
Familial adenomatous polyposis 2. Also called: MYH-associated polyposis; FAP type 2; MUTYH-related attenuated familial adenomatous polyposis; Adenomas, multiple colorectal; ADENOMAS, MULTIPLE COLORECTAL, AUTOSOMAL RECESSIVE; MUTYH Polyposis. Identifiers: Orphanet 220460, Orphanet 247798, MedGen C3272841, MONDO:0012041, OMIM 608456.
Hereditary cancer-predisposing syndrome. Also called: Neoplastic Syndromes, Hereditary; Hereditary neoplastic syndrome; Tumor predisposition; Hereditary Cancer Syndrome. Identifiers: Orphanet 140162, MedGen C0027672, MeSH D009386, MONDO:0015356.

Allele frequency attached by ClinVar (database versions not stated): gnomAD exomes below 0.00001; gnomAD 0.00001; 1000 Genomes Project 30x 0.00016; 1000 Genomes Project 0.00020.
gnomAD v4.1: 1 of 1,612,734 alleles (0.000062%); highest among the groups gnomAD compares: East Asian, 0.0022%; no homozygotes.

Submissions (5):

Ambry Genetics
Classification: Likely benign for Hereditary cancer-predisposing syndrome. Last evaluated: 2025-04-21. Review status: criteria provided, single submitter. Criteria: Ambry Variant Classification Scheme 2023. Collection method: clinical testing. Allele origin: germline.

Center for Genomic Medicine, Rigshospitalet, Copenhagen University Hospital
Classification: Uncertain significance. Last evaluated: 2025-03-04. Review status: criteria provided, single submitter. Criteria: ACMG Guidelines, 2015. Collection method: clinical testing. Allele origin: germline.

Color Diagnostics, LLC DBA Color Health
Classification: Uncertain significance for Hereditary cancer-predisposing syndrome. Last evaluated: 2023-12-05. Review status: criteria provided, single submitter. Criteria: ACMG Guidelines, 2015. Collection method: clinical testing. Allele origin: germline.
Comment: This missense variant replaces glycine with arginine at codon 63 of the MUTYH protein. Computational prediction suggests that this variant may not impact protein structure and function (internally defined REVEL score threshold <= 0.5, PMID: 27666373). To our knowledge, functional studies have not been reported for this variant. This variant has not been reported in individuals affected with MUTYH-related disorders in the literature. This variant has been identified in 1/250428 chromosomes in the general population by the Genome Aggregation Database (gnomAD). The available evidence is insufficient to determine the role of this variant in disease conclusively. Therefore, this variant is classified as a Variant of Uncertain Significance.

Baylor Genetics
Classification: Uncertain significance for Familial adenomatous polyposis 2. Last evaluated: 2023-10-30. Review status: criteria provided, single submitter. Criteria: ACMG Guidelines, 2015. Collection method: clinical testing. Allele origin: unknown.

Labcorp Genetics (formerly Invitae), Labcorp
Classification: Uncertain significance for Familial adenomatous polyposis 2. Last evaluated: 2021-08-26. Review status: criteria provided, single submitter. Criteria: Invitae Variant Classification Sherloc (09022015). Collection method: clinical testing. Allele origin: germline.
Comment: In summary, the available evidence is currently insufficient to determine the role of this variant in disease. Therefore, it has been classified as a Variant of Uncertain Significance. Algorithms developed to predict the effect of sequence changes on RNA splicing suggest that this variant may create or strengthen a splice site, but this prediction has not been confirmed by published transcriptional studies. Algorithms developed to predict the effect of missense changes on protein structure and function output the following: SIFT: "Tolerated"; PolyPhen-2: "Benign"; Align-GVGD: "Class C0". The arginine amino acid residue is found in multiple mammalian species, suggesting that this missense change does not adversely affect protein function. These predictions have not been confirmed by published functional studies and their clinical significance is uncertain. This variant has not been reported in the literature in individuals with MUTYH-related conditions. This variant is not present in population databases (ExAC no frequency). This sequence change replaces glycine with arginine at codon 63 of the MUTYH protein (p.Gly63Arg). The glycine residue is weakly conserved and there is a moderate physicochemical difference between glycine and arginine.

NM_001128425.2(MUTYH):c.187G>A (p.Gly63Arg)

Gene: MUTYH (mutY DNA glycosylase; minus strand). Cytogenetic location: 1p34.1.
Variant type: single nucleotide variant.
Coding change: c.187G>A on transcript NM_001128425.2 (MANE Plus Clinical); coding-DNA position 187, G replaced by A.
Protein change: p.Gly63Arg; replaces glycine 63 with arginine.
Molecular consequence: missense variant. On other transcripts: intron variant (10).
Genome position (GRCh38, 1-based): chr1:45,333,574, C>T on the plus strand (G>A on the coding strand, the complement: MUTYH is on the minus strand). VCF-style: chr1-45333574-C-T. GRCh37 (hg19) VCF-style: chr1-45799246-C-T.
Other names: c.136G>A, p.Gly46Arg (NM_001293191.2); c.178G>A, p.Gly60Arg (NM_012222.3); c.-92-77G>A (NM_001350651.2); c.-97-77G>A (NM_001293192.2, NM_001293196.2); c.-156-13G>A (NM_001350650.2); c.116-13G>A (NM_001048171.2, NM_001048173.2, NM_001048174.2 and 1 more transcripts); c.158-10G>A (NM_001293190.2); c.116-10G>A (NM_001048172.2); short protein forms G46R, G60R, G63R.
Identifiers: ClinVar variation 857668 (VCV000857668.17), dbSNP rs541110664, ClinGen allele CA21839914.